The following is an entry in ClinVar:

ClinVar aggregate classification (germline): Pathogenic/Likely pathogenic. Review status: criteria provided, multiple submitters, no conflicts (2 of 4 stars). 6 submissions from 6 submitters: Pathogenic (2); Likely pathogenic (3). 1 of the submissions does not count toward it. Last evaluated 2025-10-21.

Conditions:
FLCN-related disorders.
Birt-Hogg-Dube syndrome. Also called: Birt Hogg Dubé syndrome. Identifiers: Orphanet 122, MedGen C0346010, MONDO:0800444.
Pneumothorax - familial.
Birt-Hogg-Dube syndrome 1 (BHD1). Also called: FIBROFOLLICULOMAS WITH TRICHODISCOMAS AND ACROCHORDONS. Identifiers: Orphanet 122, MedGen CN375946, MONDO:0800445, OMIM 135150.
Hereditary cancer-predisposing syndrome. Also called: Hereditary Cancer Syndrome; Hereditary neoplastic syndrome; Neoplastic Syndromes, Hereditary; Tumor predisposition. Identifiers: Orphanet 140162, MedGen C0027672, MeSH D009386, MONDO:0015356.

Submissions (6):

NHS Central & South Genomic Laboratory Hub
Classification: Likely pathogenic for Pneumothorax - familial. Last evaluated: 2025-10-21. Review status: criteria provided, single submitter. Criteria: ACMG Guidelines, 2015. Collection method: clinical testing. Allele origin: germline. Affected: yes.

Myriad Genetics, Inc.
Classification: Likely pathogenic for Birt-Hogg-Dube syndrome 1. Last evaluated: 2025-03-27. Review status: criteria provided, single submitter. Criteria: Myriad Autosomal Dominant, Autosomal Recessive and X-Linked Classification Criteria (2023). Collection method: clinical testing. Allele origin: unknown.
Comment: This variant is considered likely pathogenic. This variant occurs within a consensus splice junction and is predicted to result in abnormal mRNA splicing of either an out-of-frame exon or an in-frame exon necessary for protein stability and/or normal function.

Blueprint Genetics
Classification: Pathogenic for FLCN-related disorders. Last evaluated: 2024-09-11. Review status: criteria provided, single submitter. Criteria: ACMG Guidelines, 2015. Collection method: clinical testing. Allele origin: germline. Affected: yes. Observed: 2 variant alleles.

Mayo Clinic Laboratories, Mayo Clinic
Classification: Likely pathogenic. Last evaluated: 2022-09-09. Review status: criteria provided, single submitter. Criteria: ACMG Guidelines, 2015. Collection method: clinical testing. Allele origin: germline. Observed: 2 variant alleles.
Comment: PP4, PM2, PVS1_strong

Ambry Genetics
Classification: Pathogenic for Hereditary cancer-predisposing syndrome. Last evaluated: 2017-11-16. Review status: criteria provided, single submitter. Criteria: Ambry Variant Classification Scheme 2023. Collection method: clinical testing. Allele origin: germline.
Comment: The c.618+1G>A intronic pathogenic mutation results from a G to A substitution one nucleotide after coding exon 3 of the FLCN gene. Alterations that disrupt the canonical splice site are expected to cause aberrant splicing, resulting in an abnormal protein or a transcript that is subject to nonsense-mediated mRNA decay. As such, this alteration is classified as a disease-causing mutation.

Division of Respiratory Medicine of Juntendo University, Juntendo University Faculty of Medicine and Graduate School of Medicine
Classification: Pathogenic for Birt-Hogg-Dube syndrome 1. Last evaluated: 2023-07-01. Review status: no assertion criteria provided. Collection method: clinical testing. Allele origin: germline. Affected: yes. Not counted in ClinVar's aggregate classification.

NM_144997.7(FLCN):c.618+1G>A

Gene: FLCN (folliculin; minus strand). Cytogenetic location: 17p11.2.
Variant type: single nucleotide variant.
Coding change: c.618+1G>A on transcript NM_144997.7 (MANE Select); the canonical splice donor site of the intron after coding-DNA position 618, G replaced by A.
Molecular consequence: splice donor variant.
Genome position (GRCh38, 1-based): chr17:17,223,921, C>T on the plus strand (G>A on the coding strand, the complement: FLCN is on the minus strand). VCF-style: chr17-17223921-C-T. GRCh37 (hg19) VCF-style: chr17-17127235-C-T.
Other names: c.618+1G>A (NM_001353231.2, NM_001353230.2, NM_144606.7); c.672+1G>A (NM_001353229.2).
Identifiers: ClinVar variation 1752068 (VCV001752068.7), dbSNP rs2544250574, ClinGen allele CA398534169.